The following is an entry in ClinVar:

ClinVar aggregate classification (germline): Uncertain significance (1 of 4 stars; one submission).

Conditions:
Hereditary spastic paraplegia 11. Also called: SPASTIC PARAPLEGIA, AUTOSOMAL RECESSIVE, COMPLICATED, WITH THIN CORPUS CALLOSUM; SPASTIC PARAPLEGIA, AUTOSOMAL RECESSIVE, WITH MENTAL IMPAIRMENT AND THIN CORPUS CALLOSUM; Spastic Paraplegia 11; Nakamura Osame syndrome; Autosomal recessive hereditary spastic paraplegia, mental impairment, and thin corpus callosum; Spastic paraplegia, mental retardation and thin corpus callosum. Identifiers: Orphanet 2822, MedGen C1858479, MONDO:0011445, OMIM 604360.

Allele frequency attached by ClinVar (database versions not stated): gnomAD exomes below 0.00001; ExAC 0.00001; gnomAD 0.00001.
gnomAD v4.1: 3 of 1,614,058 alleles (0.00019%); highest among the groups gnomAD compares: Middle Eastern, 0.016%; no homozygotes.

Submission:

Labcorp Genetics (formerly Invitae), Labcorp
Classification: Uncertain significance for Hereditary spastic paraplegia 11. Last evaluated: 2022-08-09. Review status: criteria provided, single submitter. Criteria: Invitae Variant Classification Sherloc (09022015). Collection method: clinical testing. Allele origin: germline.
Comment: This sequence change replaces valine, which is neutral and non-polar, with methionine, which is neutral and non-polar, at codon 1758 of the SPG11 protein (p.Val1758Met). This variant is present in population databases (rs773125953, gnomAD 0.0009%). This variant has not been reported in the literature in individuals affected with SPG11-related conditions. ClinVar contains an entry for this variant (Variation ID: 640799). Algorithms developed to predict the effect of missense changes on protein structure and function output the following: SIFT: "Tolerated"; PolyPhen-2: "Possibly Damaging"; Align-GVGD: "Class C0". The methionine amino acid residue is found in multiple mammalian species, which suggests that this missense change does not adversely affect protein function. In summary, the available evidence is currently insufficient to determine the role of this variant in disease. Therefore, it has been classified as a Variant of Uncertain Significance.

NM_025137.4(SPG11):c.5272G>A (p.Val1758Met)

Genes: SPG11 (SPG11 vesicle trafficking associated, spatacsin; minus strand), LOC130056971 (ATAC-STARR-seq lymphoblastoid silent region 6398; plus strand). Cytogenetic location: 15q21.1.
Variant type: single nucleotide variant.
Coding change: c.5272G>A on transcript NM_025137.4 (MANE Select); coding-DNA position 5272, G replaced by A.
Protein change: p.Val1758Met; replaces valine 1758 with methionine.
Molecular consequence: missense variant.
Genome position (GRCh38, 1-based): chr15:44,584,408, C>T on the plus strand (G>A on the coding strand, the complement: SPG11 is on the minus strand). VCF-style: chr15-44584408-C-T. GRCh37 (hg19) VCF-style: chr15-44876606-C-T.
Other names: c.5272G>A, p.Val1758Met (NM_001160227.2); short protein forms V1758M.
Identifiers: ClinVar variation 640799 (VCV000640799.6), dbSNP rs773125953, ClinGen allele CA7534435.